The following is an entry in ClinVar:

NM_000545.8(HNF1A):c.1424C>T (p.Pro475Leu)

Gene: HNF1A (HNF1 homeobox A; plus strand). Cytogenetic location: 12q24.31.
Variant type: single nucleotide variant.
Coding change: c.1424C>T on transcript NM_000545.8 (MANE Select); coding-DNA position 1424, C replaced by T.
Protein change: p.Pro475Leu; replaces proline 475 with leucine.
Molecular consequence: missense variant.
Genome position (GRCh38, 1-based): chr12:120,997,588, C>T. VCF-style: chr12-120997588-C-T. GRCh37 (hg19) VCF-style: chr12-121435391-C-T.
Other names: NM_000545.8(HNF1A):c.1424C>T; c.1424C>T (NM_000545.6, NM_000545.6); c.1424C>T, p.Pro475Leu (NM_001306179.2); short protein forms P475L.
Identifiers: ClinVar variation 36801 (VCV000036801.20), dbSNP rs193922580, ClinGen allele CA214266.

ClinVar aggregate classification (germline): Uncertain significance. Review status: reviewed by expert panel (3 of 4 stars). 7 submissions from 7 submitters: Uncertain significance (1). 6 of the submissions do not count toward it. Last evaluated 2024-08-01.

Conditions:
Type 2 diabetes mellitus. Also called: Type II diabetes mellitus. Identifiers: MedGen C0011860, MeSH D003924, MONDO:0005148, OMIM 125853, HP:0005978.
Diabetes mellitus type 1 (T1D). Also called: Type I diabetes mellitus; Diabetes Mellitus, Juvenile-Onset. Identifiers: MedGen C0011854, MONDO:0005147, OMIM 222100, HP:0100651.
Nonpapillary renal cell carcinoma. Identifiers: Orphanet 422526, MedGen CN074294, MONDO:0007763, OMIM 144700.
Hepatic adenomas, familial. Also called: HEPATIC ADENOMA, SOMATIC; LIVER CELL ADENOMAS, FAMILIAL. Identifiers: MedGen C1840646, MONDO:0007718, OMIM 142330.
Maturity-onset diabetes of the young type 3. Also called: MODY type 3; MODY, type III. Identifiers: Orphanet 552, MedGen C1838100, MeSH C563933, MONDO:0010894, OMIM 600496. Disease mechanism: loss of function.
Type 1 diabetes mellitus 20 (T1D20). Also called: Diabetes mellitus, insulin-dependent, 20. Identifiers: MedGen C2675866, MONDO:0012919, OMIM 612520.
Maturity-onset diabetes of the young (MODY). Also called: Maturity onset diabetes mellitus in young. Identifiers: Orphanet 552, MedGen C0342276, MONDO:0018911, HP:0004904.
Monogenic diabetes. Identifiers: Orphanet 183625, MedGen C3888631, MONDO:0015967.

Allele frequency attached by ClinVar (database versions not stated): TOPMed 0.00002; ESP Exome Variant Server 0.00008.
gnomAD v4.1: 77 of 1,613,720 alleles (0.0048%); highest among the groups gnomAD compares: Non-Finnish European, 0.0016%; no homozygotes.

Submissions (7):

ClinGen Monogenic Diabetes Variant Curation Expert Panel
Classification: Uncertain significance for Monogenic diabetes. Last evaluated: 2024-08-01. Review status: reviewed by expert panel. Criteria: ClinGen Diabetes ACMG Specifications HNF1A V2.1.0. Collection method: curation. Allele origin: germline. Inheritance: Autosomal dominant inheritance.
Comment: The c.1424C>T variant in the HNF1 homeobox A gene, HNF1A, causes an amino acid change of proline to leucine at codon 475 (p.(Pro475Leu)) of NM_000545.8. This variant is predicted to be deleterious by computational evidence, with a REVEL score of 0.751, which is greater than the MDEP VCEP threshold of 0.70 (PP3). Additionally, this variant was identified in an individual with a clinical history highly specific for HNF1A-MODY (MODY probability calculator result >50%, negative genetic testing for HNF4A) (PP4; internal lab contributors). This variant was identified in at least 10 unrelated individuals with non- autoimmune and non-absolute/near-absolute insulin-deficient diabetes; however, PS4 cannot be applied because the variant MAF in gnomAD is above the ClinGen MDEP PM2_Supporting cutoff (PMIDs: 18811724, 23674172, internal lab contributors). The frequency of the c.1424C>T variant in gnomAD v2.1.1 falls between the ClinGen MDEP-established cutoffs for PM2_Supporting and BS1; thus, neither criterion will be applied. In summary, c.1424C>T meets the criteria to be classified as a variant of uncertain significance for monogenic diabetes. ACMG/AMP criteria applied, as specified by the ClinGen MDEP (specification version 2.1.0, approved 8/11/2023): PP3, PP4, BS2.

Women's Health and Genetics/Laboratory Corporation of America, LabCorp
Classification: Likely benign. Last evaluated: 2026-06-11. Review status: criteria provided, single submitter. Criteria: LabCorp Variant Classification Summary - May 2015. Collection method: clinical testing. Allele origin: germline. Not counted in ClinVar's aggregate classification.
Comment: Variant summary: HNF1A c.1424C>T (p.Pro475Leu) results in a non-conservative amino acid change located in the Hepatocyte nuclear factor 1, beta isoform, C-terminal domain (IPR006897) of the encoded protein sequence. Algorithms developed to predict the effect of missense changes on protein structure and function all suggest that this variant is likely to be disruptive. The variant allele was found at a frequency of 5.2e-05 in 250026 control chromosomes. The observed variant frequency exceeds the estimated maximal expected allele frequency for disease-causing variants in HNF1A. c.1424C>T has been observed in individual(s) affected with Maturity Onset Diabetes Of The Young 3 (Plengvidhya_2008, Billings_2022, Huerta-Chagoya_2024, external comm). These data indicate that the variant may be associated with disease. At least one publication reports experimental evidence evaluating an impact on protein function, finding that the variant results in moderate defects in transactivation as well as defects in regulation of cell cycle transitions (e.g., Sujjitjoon_2020). The following publications have been ascertained in the context of this evaluation (PMID: 36208030, 18811724, 32684311, 39379762). ClinVar contains an entry for this variant (Variation ID: 36801). Based on the evidence outlined above, the variant was classified as likely benign.

Labcorp Genetics (formerly Invitae), Labcorp
Classification: Likely benign. Last evaluated: 2026-01-16. Review status: criteria provided, single submitter. Criteria: Invitae Variant Classification Sherloc (09022015). Collection method: clinical testing. Allele origin: germline. Not counted in ClinVar's aggregate classification.

Fulgent Genetics
Classification: Uncertain significance for Type 2 diabetes mellitus; Hepatic adenomas, familial; Nonpapillary renal cell carcinoma; Diabetes mellitus type 1; Maturity-onset diabetes of the young type 3; Type 1 diabetes mellitus 20. Last evaluated: 2024-04-18. Review status: criteria provided, single submitter. Criteria: ACMG Guidelines, 2015. Collection method: clinical testing. Allele origin: germline. Not counted in ClinVar's aggregate classification.

Ambry Genetics
Classification: Uncertain significance for Maturity-onset diabetes of the young. Last evaluated: 2021-01-20. Review status: criteria provided, single submitter. Criteria: Ambry Variant Classification Scheme 2023. Collection method: clinical testing. Allele origin: germline. Not counted in ClinVar's aggregate classification.
Comment: The p.P475L variant (also known as c.1424C>T), located in coding exon 7 of the HNF1A gene, results from a C to T substitution at nucleotide position 1424. The proline at codon 475 is replaced by leucine, an amino acid with similar properties. This variant has been noted to have reduced transactivation activity and affected cell cycle and growth (Sujjitjoon J et al. Biochem Biophys Res Commun, 2020 Aug;529:826-833). This amino acid position is well conserved in available vertebrate species. In addition, this alteration is predicted to be deleterious by in silico analysis. Since supporting evidence is limited at this time, the clinical significance of this alteration remains unclear.

Broad Center for Mendelian Genomics, Broad Institute of MIT and Harvard
Classification: Uncertain significance for Monogenic diabetes. Last evaluated: 2020-01-22. Review status: criteria provided, single submitter. Criteria: ACMG Guidelines, 2015. Collection method: curation. Allele origin: germline. Inheritance: Autosomal dominant inheritance. Not counted in ClinVar's aggregate classification.
Comment: Although this variant has been seen in the general population, its frequency is low enough to be consistent with a carrier frequency. Please note that for diseases with clinical variability, or reduced penetrance, pathogenic variants may be present at a low frequency in the general population. This variant has also been reported likely pathogenic in ClinVar and as a VUS in the literature (Variation ID: 36801; PMID: 27080136). Computational prediction tools and conservation analyses suggest that this variant may impact the protein, though this information is not predictive enough to determine pathogenicity. In summary, the clinical significance of the p.Pro475Leu variant is uncertain. ACMG/AMP Criteria applied: PM2_Supporting, PP3, PS4_Supporting (Richards 2015).

Athena Diagnostics
Classification: Uncertain significance. Last evaluated: 2018-09-11. Review status: criteria provided, single submitter. Criteria: Athena Diagnostics Criteria. Collection method: clinical testing. Allele origin: germline. Not counted in ClinVar's aggregate classification.

Literature cited by the submitters: PubMed 18811724 (cited by 4 submitters); PubMed 36208030 (cited by Women's Health and Genetics/Laboratory Corporation of America, LabCorp); PubMed 32684311 (cited by Women's Health and Genetics/Laboratory Corporation of America, LabCorp and Ambry Genetics); PubMed 39379762 (cited by Women's Health and Genetics/Laboratory Corporation of America, LabCorp); PubMed 31363388 (cited by Ambry Genetics); PubMed 23348805 (cited by Broad Center for Mendelian Genomics, Broad Institute of MIT and Harvard).